The following is an entry in ClinVar:

NM_000059.4(BRCA2):c.3401G>A (p.Ser1134Asn)

Gene: BRCA2 (BRCA2 DNA repair associated; plus strand). Cytogenetic location: 13q13.1.
Variant type: single nucleotide variant.
Coding change: c.3401G>A on transcript NM_000059.4 (MANE Select); coding-DNA position 3401, G replaced by A.
Protein change: p.Ser1134Asn; replaces serine 1134 with asparagine.
Molecular consequence: missense variant. On other transcripts: non-coding transcript variant (1), intron variant (2).
Genome position (GRCh38, 1-based): chr13:32,337,756, G>A. VCF-style: chr13-32337756-G-A. GRCh37 (hg19) VCF-style: chr13-32911893-G-A.
Other names: c.3401G>A, p.Ser1134Asn (NM_001406719.1, NM_001406720.1); c.1909+4369G>A (NM_001406721.1); c.424+6726G>A (NM_001406722.1); short protein forms S1134N.
Identifiers: ClinVar variation 2560947 (VCV002560947.3), dbSNP rs398122764, ClinGen allele CA387776471.

ClinVar aggregate classification (germline): Uncertain significance (1 of 4 stars; one submission).

Conditions:
Hereditary cancer-predisposing syndrome. Also called: Neoplastic Syndromes, Hereditary; Hereditary Cancer Syndrome; Hereditary neoplastic syndrome; Tumor predisposition. Identifiers: Orphanet 140162, MedGen C0027672, MeSH D009386, MONDO:0015356.

Submission:

Ambry Genetics
Classification: Uncertain significance for Hereditary cancer-predisposing syndrome. Last evaluated: 2025-12-04. Review status: criteria provided, single submitter. Criteria: Ambry Variant Classification Scheme 2023. Collection method: clinical testing. Allele origin: germline.
Comment: The p.S1134N variant (also known as c.3401G>A), located in coding exon 10 of the BRCA2 gene, results from a G to A substitution at nucleotide position 3401. The serine at codon 1134 is replaced by asparagine, an amino acid with highly similar properties. This amino acid position is not well conserved in available vertebrate species. In addition, this alteration is predicted to be tolerated by in silico analysis. Since supporting evidence is limited at this time, the clinical significance of this alteration remains unclear.